The following is an entry in ClinVar:

NM_005515.4(MNX1):c.1183A>G (p.Ser395Gly)

Gene: MNX1 (motor neuron and pancreas homeobox 1; minus strand). Cytogenetic location: 7q36.3.
Variant type: single nucleotide variant.
Coding change: c.1183A>G on transcript NM_005515.4 (MANE Select); coding-DNA position 1183, A replaced by G.
Protein change: p.Ser395Gly; replaces serine 395 with glycine.
Molecular consequence: missense variant.
Genome position (GRCh38, 1-based): chr7:157,005,543, T>C on the plus strand (A>G on the coding strand, the complement: MNX1 is on the minus strand). VCF-style: chr7-157005543-T-C. GRCh37 (hg19) VCF-style: chr7-156798237-T-C.
Other names: c.547A>G, p.Ser183Gly (NM_001165255.2); short protein forms S183G, S395G.
Identifiers: ClinVar variation 4070631 (VCV004070631.2).

ClinVar aggregate classification (germline): Uncertain significance (1 of 4 stars; one submission).

gnomAD v4.1: 40 of 1,538,722 alleles (0.0026%); highest among the groups gnomAD compares: Non-Finnish European, 0.0033%; no homozygotes.

Submission:

GeneDx
Classification: Uncertain significance. Last evaluated: 2026-08-13. Review status: criteria provided, single submitter. Criteria: GeneDx Variant Classification Process June 2021. Collection method: clinical testing. Allele origin: germline.
Comment: In silico analysis suggests that this missense variant does not alter protein structure/function; Has not been previously published as pathogenic or benign to our knowledge